The following is an entry in ClinVar:

NM_020778.5(ALPK3):c.3404_3411dup (p.Ser1138fs)

Gene: ALPK3 (alpha kinase 3; plus strand). Cytogenetic location: 15q25.3.
Variant type: Duplication.
Coding change: c.3404_3411dup on transcript NM_020778.5 (MANE Select); coding-DNA positions 3404 to 3411, 8 bases duplicated (AGGAGCCC; older notation c.3404_3411dupAGGAGCCC).
Protein change: p.Ser1138fs; shifts the reading frame from serine 1138.
Molecular consequence: frameshift variant.
Genome position (GRCh38, 1-based): chr15:84,858,142-84,858,149, AGGAGCCC duplicated; duplicating any 8 consecutive bases within chr15:84,858,137-84,858,149 gives the same sequence; the c. name uses the placement nearest the transcript's 3' end. VCF-style (leftmost placement, unchanged base first): chr15-84858136-T-TAGCCCAGG. GRCh37 (hg19) VCF-style: chr15-85401367-T-TAGCCCAGG.
Other names: short protein forms S1138fs.
Identifiers: ClinVar variation 1451440 (VCV001451440.6), dbSNP rs2141569048, ClinGen allele CA2573151303.
Genomic context (GRCh38, chr15:84,858,136, plus strand): 5'-GTCGACTGGGGGAGGCGGGTGGGCAGGCAGCCCCTGGACAGGGGCCCTCAGCAGAGAGCA[T>TAGCCCAGG]AGCCCAGGAGCCCTCCCAAGAGGAGAAGTTCCCAGGGGAGGCTCTGACAGGTCTCCCGGC-3'

ClinVar aggregate classification (germline): Pathogenic (1 of 4 stars; one submission).

Submission:

Labcorp Genetics (formerly Invitae), Labcorp
Classification: Pathogenic. Last evaluated: 2024-04-08. Review status: criteria provided, single submitter. Criteria: Invitae Variant Classification Sherloc (09022015). Collection method: clinical testing. Allele origin: germline.
Comment: This sequence change creates a premature translational stop signal (p.Ser1340Argfs*14) in the ALPK3 gene. It is expected to result in an absent or disrupted protein product. Loss-of-function variants in ALPK3 are known to be pathogenic (PMID: 21441111, 26846950, 27106955, 34263907). This variant is not present in population databases (gnomAD no frequency). This variant has not been reported in the literature in individuals affected with ALPK3-related conditions. ClinVar contains an entry for this variant (Variation ID: 1451440). For these reasons, this variant has been classified as Pathogenic.

Literature cited by the submitters: PubMed 21441111; PubMed 26846950; PubMed 27106955; PubMed 34263907.